The following is an entry in ClinVar:

NM_001018005.2(TPM1):c.428T>A (p.Ile143Asn)

Gene: TPM1 (tropomyosin 1; plus strand). Cytogenetic location: 15q22.2.
Variant type: single nucleotide variant.
Coding change: c.428T>A on transcript NM_001018005.2 (MANE Select); coding-DNA position 428, T replaced by A.
Protein change: p.Ile143Asn; replaces isoleucine 143 with asparagine.
Molecular consequence: missense variant.
Genome position (GRCh38, 1-based): chr15:63,059,616, T>A. VCF-style: chr15-63059616-T-A. GRCh37 (hg19) VCF-style: chr15-63351815-T-A.
Other names: c.428T>A, p.Ile143Asn (NM_000366.6, NM_001018004.2, NM_001018006.2 and 6 more transcripts); c.320T>A, p.Ile107Asn (NM_001018008.2, NM_001301289.2, NM_001330344.2 and 5 more transcripts); c.554T>A, p.Ile185Asn (NM_001365778.1); short protein forms I143N, I185N, I107N.
Identifiers: ClinVar variation 636769 (VCV000636769.3), dbSNP rs730881136, ClinGen allele CA392722185.

ClinVar aggregate classification (germline): Uncertain significance. Review status: criteria provided, multiple submitters, no conflicts (2 of 4 stars). 2 submissions from 2 submitters: Uncertain significance (2). Last evaluated 2025-02-19.

Conditions:
Hypertrophic cardiomyopathy 3. Also called: TPM1-Related Familial Hypertrophic Cardiomyopathy. Identifiers: MedGen C1861863, MONDO:0007267, OMIM 115196.

Submissions (2):

3billion
Classification: Uncertain significance for Hypertrophic cardiomyopathy 3. Last evaluated: 2025-02-19. Review status: criteria provided, single submitter. Criteria: ACMG Guidelines, 2015. Collection method: clinical testing. Allele origin: germline. Affected: yes.
Comment: The variant is not observed in the gnomAD v4.1.0 dataset. Predicted Consequence/Location: Missense variant In silico tool predictions suggest damaging effect of the variant on gene or gene product [REVEL: 0.66 (>=0.6, sensitivity 0.68 and specificity 0.92); 3Cnet: 1.00 (>=0.6, sensitivity 0.72 and precision 0.9)]. A different missense change at the same codon (p.Ile143Ser) has been reported to be associated with TPM1-related disorder (ClinVar ID: VCV000181663 /PMID: 30297972). However the evidence of pathogenicity is insufficient at this time. Therefore, this variant is classified as VUS according to the recommendation of ACMG/AMP guideline.

Blueprint Genetics
Classification: Uncertain significance. Last evaluated: 2018-08-28. Review status: criteria provided, single submitter. Criteria: ACMG Guidelines, 2015. Collection method: clinical testing. Allele origin: germline.

Literature cited by the submitters: PubMed 30297972 (cited by 3billion).